The following is an entry in ClinVar:

NM_001042492.3(NF1):c.8479G>A (p.Ala2827Thr)

Gene: NF1 (neurofibromin 1; plus strand). Cytogenetic location: 17q11.2.
Variant type: single nucleotide variant.
Coding change: c.8479G>A on transcript NM_001042492.3 (MANE Select); coding-DNA position 8479, G replaced by A.
Protein change: p.Ala2827Thr; replaces alanine 2827 with threonine.
Molecular consequence: missense variant.
Genome position (GRCh38, 1-based): chr17:31,374,114, G>A. VCF-style: chr17-31374114-G-A. GRCh37 (hg19) VCF-style: chr17-29701132-G-A.
Other names: c.8416G>A, p.Ala2806Thr (NM_000267.4); short protein forms A2806T, A2827T.
Identifiers: ClinVar variation 404536 (VCV000404536.18), dbSNP rs199878086, ClinGen allele CA8487826.

ClinVar aggregate classification (germline): Conflicting classifications of pathogenicity. Review status: criteria provided, conflicting classifications (1 of 4 stars). 5 submissions from 4 submitters: Uncertain significance (1); Benign (1); Likely benign (3). Last evaluated 2025-12-22.

Conditions:
Cardiovascular phenotype. Identifiers: MedGen CN230736.
Hereditary cancer-predisposing syndrome. Also called: Neoplastic Syndromes, Hereditary; Tumor predisposition; Hereditary Cancer Syndrome; Hereditary neoplastic syndrome. Identifiers: Orphanet 140162, MedGen C0027672, MeSH D009386, MONDO:0015356.
Neurofibromatosis, type 1 (NF1). Also called: VON RECKLINGHAUSEN DISEASE; NEUROFIBROMATOSIS, TYPE I, SOMATIC; Peripheral type neurofibromatosis; Neurofibromatosis, type I. Identifiers: Orphanet 636, MedGen C0027831, MONDO:0018975, OMIM 162200. Disease mechanism: loss of function.

gnomAD v4.1: 29 of 1,613,954 alleles (0.0018%); highest among the groups gnomAD compares: Middle Eastern, 0.016%; no homozygotes.

Submissions (5):

Labcorp Genetics (formerly Invitae), Labcorp
Classification: Benign for Neurofibromatosis, type 1. Last evaluated: 2025-12-22. Review status: criteria provided, single submitter. Criteria: Invitae Variant Classification Sherloc (09022015). Collection method: clinical testing. Allele origin: germline.

Blueprint Genetics
Classification: Likely benign. Last evaluated: 2024-07-24. Review status: criteria provided, single submitter. Criteria: ACMG Guidelines, 2015. Collection method: clinical testing. Allele origin: germline.

Ambry Genetics
Classification: Likely benign for Cardiovascular phenotype; Hereditary cancer-predisposing syndrome. Last evaluated: 2021-11-23. Review status: criteria provided, single submitter. Criteria: Ambry Variant Classification Scheme 2023. Collection method: clinical testing. Allele origin: germline.

Laboratory for Molecular Medicine, Mass General Brigham Personalized Medicine
Classification: Likely benign. Last evaluated: 2018-07-18. Review status: criteria provided, single submitter. Criteria: LMM Criteria. Collection method: clinical testing. Allele origin: germline. Observed: 1 variant allele.
Comment: The p.Ala2827Thr variant in NF1 is classified as likely benign due to a lack of conservation across species. Several species, including 8 mammals, have threonin e (Thr) at this position. It has been identified in 3/17242 East Asian chromosom es by the Genome Aggregation Database (gnomAD; dbSNP rs199878086). ACMG/AMP Criteria applied: BP4_Strong.

Ambry Genetics
Classification: Uncertain significance for Hereditary cancer-predisposing syndrome. Last evaluated: 2015-10-07. Review status: criteria provided, single submitter. Criteria: Ambry Autosomal Dominant and X-Linked criteria (10/2015). Collection method: clinical testing. Allele origin: germline. Observed: 1 variant allele.
Comment: The p.A2827T variant (also known as c.8479G>A), located in coding exon 58 of the NF1 gene, results from a G to A substitution at nucleotide position 8479. The alanine at codon 2827 is replaced by threonine, an amino acid with similar properties. This variant was previously reported in the SNPDatabase as rs199878086,however, it was not reported in population-based cohorts in the NHLBI Exome Sequencing Project (ESP) or 1000 Genomes Project databases. To date, this alteration has been detected with an allele frequency of approximately 0.004% (greater than 110000alleles tested) in our clinical cohort.This amino acid position is not well conserved in available vertebrate species. In addition, this alteration is predicted to be tolerated by in silico analysis. Since supporting evidence is limited at this time, the clinical significance of p.A2827T remains unclear.